The following is an entry in ClinVar:

ClinVar aggregate classification (germline): Pathogenic (1 of 4 stars; one submission).

Conditions:
Autosomal recessive primary microcephaly. Identifiers: Orphanet 2512, MedGen C3711387, MONDO:0016660.

Submission:

Women's Health and Genetics/Laboratory Corporation of America, LabCorp
Classification: Pathogenic for Autosomal recessive primary microcephaly. Last evaluated: 2026-05-05. Review status: criteria provided, single submitter. Criteria: LabCorp Variant Classification Summary - May 2015. Collection method: clinical testing. Allele origin: germline.
Comment: Variant summary: The variant involves the deletion of exons 1-4 in the MCPH1 gene. A presumed nomenclature of c.(?_-42)_(321+1_322-1)del has been designated for the purposes of this classification. The exact breakpoint at the 5' end of this variant is unknown, therefore this deletion may extend upstream of the annotated region of this gene. Although the exact breakpoints of this deletion are not known, it is predicted to remove the initiation codon and result in an absence of protein or a truncation of the encoded protein due to translation initiation at a downstream site. Loss-of-function variants in this gene are known to be pathogenic. The variant allele was found at a frequency of 3.3e-05 in 120778 control chromosomes in the gnomAD database (Structural Variants v4.1 dataset). To our knowledge, no occurrence of c.(?_-42)_(321+1_322-1)del in individuals affected with MCPH1-related conditions and no experimental evidence demonstrating its impact on protein function have been reported. ClinVar contains an entry for this variant (Variation ID: 3245599). Based on the evidence outlined above, the variant was classified as pathogenic.

NC_000008.10:g.(?_6264147)_(6289108_6293568)del

Gene: MCPH1 (microcephalin 1; plus strand). Cytogenetic location: 8p23.1.
Variant type: Deletion.
Identifiers: ClinVar variation 4853563 (VCV004853563.1).